The following is an entry in ClinVar:

ClinVar aggregate classification (germline): Pathogenic. Review status: criteria provided, single submitter (1 of 4 stars). 2 submissions from 2 submitters: Pathogenic (1). 1 of the submissions does not count toward it. Last evaluated 2022-09-13.

Conditions:
Pituitary hormone deficiency, combined, 2. Also called: PITUITARY DWARFISM III; HANHART DWARFISM; ATELIOTIC DWARFISM WITH HYPOGONADISM; PROP1-Related Combined Pituitary Hormone Deficiency. Identifiers: MedGen C0878683, MONDO:0009878, OMIM 262600.

Allele frequency attached by ClinVar (database versions not stated): gnomAD exomes below 0.00001; TOPMed below 0.00001; ExAC 0.00001; gnomAD 0.00001; ESP Exome Variant Server 0.00008.

Submissions (2):

Labcorp Genetics (formerly Invitae), Labcorp
Classification: Pathogenic. Last evaluated: 2022-09-13. Review status: criteria provided, single submitter. Criteria: Invitae Variant Classification Sherloc (09022015). Collection method: clinical testing. Allele origin: germline.
Comment: This sequence change results in a frameshift in the PROP1 gene (p.Ala186Valfs*50). While this is not anticipated to result in nonsense mediated decay, it is expected to disrupt the last 41 amino acid(s) of the PROP1 protein and extend the protein by 8 additional amino acid residues. This variant is present in population databases (rs762529663, gnomAD 0.0009%). This variant has not been reported in the literature in individuals affected with PROP1-related conditions. ClinVar contains an entry for this variant (Variation ID: 371561). This variant disrupts a region of the PROP1 protein in which other variant(s) (p.Pro210Hisfs*26) have been determined to be pathogenic (PMID: 16735499). This suggests that this is a clinically significant region of the protein, and that variants that disrupt it are likely to be disease-causing. For these reasons, this variant has been classified as Pathogenic.

Counsyl
Classification: Likely pathogenic for Pituitary hormone deficiency, combined, 2. Last evaluated: 2016-10-17. Review status: no assertion criteria provided. Collection method: clinical testing. Allele origin: unknown. Not counted in ClinVar's aggregate classification.

Literature cited by the submitters: PubMed 16735499 (cited by Labcorp Genetics (formerly Invitae), Labcorp).

NM_006261.5(PROP1):c.557del (p.Ala186fs)

Gene: PROP1 (PROP paired-like homeobox 1; minus strand). Cytogenetic location: 5q35.3.
Variant type: Deletion.
Coding change: c.557del on transcript NM_006261.5 (MANE Select); coding-DNA position 557, one base deleted (C; older notation c.557delC).
Protein change: p.Ala186fs; shifts the reading frame from alanine 186.
Molecular consequence: frameshift variant.
Genome position (GRCh38, 1-based): chr5:177,992,833, G deleted on the plus strand (C on the coding strand, the reverse complement: PROP1 is on the minus strand). VCF-style (leftmost placement, unchanged base first): chr5-177992832-AG-A. GRCh37 (hg19) VCF-style: chr5-177419833-AG-A.
Other names: c.557delC (NM_006261.4); short protein forms A186fs.
Identifiers: ClinVar variation 371561 (VCV000371561.6), dbSNP rs762529663, ClinGen allele CA3587501.